The following is an entry in ClinVar:

NM_002519.3(NPAT):c.577A>G (p.Ile193Val)

Gene: NPAT (nuclear protein, coactivator of histone transcription; minus strand). Cytogenetic location: 11q22.3.
Variant type: single nucleotide variant.
Coding change: c.577A>G on transcript NM_002519.3 (MANE Select); coding-DNA position 577, A replaced by G.
Protein change: p.Ile193Val; replaces isoleucine 193 with valine.
Molecular consequence: missense variant.
Genome position (GRCh38, 1-based): chr11:108,188,159, T>C on the plus strand (A>G on the coding strand, the complement: NPAT is on the minus strand). VCF-style: chr11-108188159-T-C. GRCh37 (hg19) VCF-style: chr11-108058886-T-C.
Other names: c.577A>G, p.Ile193Val (NM_001321307.1); short protein forms I193V.
Identifiers: ClinVar variation 3222636 (VCV003222636.1), dbSNP rs2496743292, ClinGen allele CA382523304.
Genomic context (GRCh38, chr11:108,188,159, plus strand): 5'-TTTTGCGTCTACCGGGAGACATTAAACTGGCATGTGCTTTCTTTTCCTGAGCACCAGGAA[T>C]GACATTTAAAGCTTCTCCAGCTGTATTTCAAGAAAACATAACAGTAAGCCAAAGAAACTG-3'
Protein context (NP_002510.2, residues 183-203): TVTTGEALNV[Ile193Val]PGAQEKKAHA

ClinVar aggregate classification (germline): Uncertain significance (1 of 4 stars; one submission).

Submission:

Ambry Genetics
Classification: Uncertain significance. Last evaluated: 2023-10-27. Review status: criteria provided, single submitter. Criteria: Ambry Variant Classification Scheme 2023. Collection method: clinical testing. Allele origin: germline.
Comment: The p.I193V variant (also known as c.577A>G), located in coding exon 7 of the NPAT gene, results from an A to G substitution at nucleotide position 577. The isoleucine at codon 193 is replaced by valine, an amino acid with highly similar properties. This amino acid position is conserved. In addition, this alteration is predicted to be tolerated by in silico analysis. Since supporting evidence is limited at this time, the clinical significance of this alteration remains unclear.